The following is an entry in ClinVar:

NM_000458.4(HNF1B):c.826C>T (p.Arg276Ter)

Gene: HNF1B (HNF1 homeobox B; minus strand). Cytogenetic location: 17q12.
Variant type: single nucleotide variant.
Coding change: c.826C>T on transcript NM_000458.4 (MANE Select); coding-DNA position 826, C replaced by T.
Protein change: p.Arg276Ter; replaces arginine 276 with a stop codon.
Molecular consequence: nonsense.
Genome position (GRCh38, 1-based): chr17:37,731,814, G>A on the plus strand (C>T on the coding strand, the complement: HNF1B is on the minus strand). VCF-style: chr17-37731814-G-A. GRCh37 (hg19) VCF-style: chr17-36091805-G-A.
Other names: c.748C>T, p.Arg250Ter (NM_001165923.4, NM_001304286.2); c.826C>T (NM_000458.2); c.[826C>T] (NM_000458.3); short protein forms R276*, R250*.
Identifiers: ClinVar variation 12640 (VCV000012640.21), dbSNP rs121918672, ClinGen allele CA122601.

ClinVar aggregate classification (germline): Pathogenic. Review status: criteria provided, multiple submitters, no conflicts (2 of 4 stars). 12 submissions from 12 submitters: Pathogenic (10). 2 of the submissions do not count toward it. Last evaluated 2026-01-06.

Conditions:
HNF1B-related disorder. Also called: HNF1B-related disorders; HNF1B-related condition.
Autosomal dominant medullary cystic kidney disease with or without hyperuricemia. Identifiers: Orphanet 34149, MedGen C4511620, MONDO:0008264.
Nonpapillary renal cell carcinoma. Identifiers: Orphanet 422526, MedGen CN074294, MONDO:0007763, OMIM 144700.
Renal cysts and diabetes syndrome (RCAD). Also called: Familial hypoplastic, glomerulocystic kidney; MATURITY-ONSET DIABETES OF THE YOUNG, TYPE 5. Identifiers: Orphanet 93111, MedGen C0431693, MONDO:0007669, OMIM 137920.
Type 2 diabetes mellitus. Also called: Type II diabetes mellitus. Identifiers: MedGen C0011860, MeSH D003924, MONDO:0005148, OMIM 125853, HP:0005978.
Maturity-onset diabetes of the young (MODY). Also called: Maturity onset diabetes mellitus in young. Identifiers: Orphanet 552, MedGen C0342276, MONDO:0018911, HP:0004904.

Submissions (12):

Labcorp Genetics (formerly Invitae), Labcorp
Classification: Pathogenic. Last evaluated: 2026-01-06. Review status: criteria provided, single submitter. Criteria: Invitae Variant Classification Sherloc (09022015). Collection method: clinical testing. Allele origin: germline.
Comment: This sequence change creates a premature translational stop signal (p.Arg276*) in the HNF1B gene. It is expected to result in an absent or disrupted protein product. Loss-of-function variants in HNF1B are known to be pathogenic (PMID: 9398836, 12148114, 15068978, 20378641). This variant is not present in population databases (gnomAD no frequency). This premature translational stop signal has been observed in individual(s) with cystic kidney (PMID: 31131422). ClinVar contains an entry for this variant (Variation ID: 12640). For these reasons, this variant has been classified as Pathogenic.

Fulgent Genetics
Classification: Pathogenic for Type 2 diabetes mellitus; Renal cysts and diabetes syndrome; Nonpapillary renal cell carcinoma. Last evaluated: 2024-05-21. Review status: criteria provided, single submitter. Criteria: ACMG Guidelines, 2015. Collection method: clinical testing. Allele origin: germline.

Women's Health and Genetics/Laboratory Corporation of America, LabCorp
Classification: Pathogenic for Maturity-onset diabetes of the young. Last evaluated: 2024-05-02. Review status: criteria provided, single submitter. Criteria: LabCorp Variant Classification Summary - May 2015. Collection method: clinical testing. Allele origin: germline.
Comment: Variant summary: HNF1B c.826C>T (p.Arg276X) results in a premature termination codon, predicted to cause a truncation of the encoded protein or absence of the protein due to nonsense mediated decay, which are commonly known mechanisms for disease. The frequency data for this variant in gnomAD is considered unreliable, as metrics indicate poor data quality at this position. c.826C>T has been reported in the literature in at least one individual affected with Maturity Onset Diabetes Of The Young 5 (Renal Cysts And Diabetes Syndrome) (example: Ge_2022). These data indicate that the variant may be associated with disease. To our knowledge, no experimental evidence demonstrating an impact on protein function has been reported. The following publication has been ascertained in the context of this evaluation (PMID: 35846334). ClinVar contains an entry for this variant (Variation ID: 12640). Based on the evidence outlined above, the variant was classified as pathogenic.

GeneDx
Classification: Pathogenic. Last evaluated: 2023-09-11. Review status: criteria provided, single submitter. Criteria: GeneDx Variant Classification Process June 2021. Collection method: clinical testing. Allele origin: germline. Affected: yes.
Comment: Nonsense variant predicted to result in protein truncation or nonsense mediated decay in a gene for which loss of function is a known mechanism of disease; Not observed at significant frequency in large population cohorts (gnomAD); This variant is associated with the following publications: (PMID: 25525159, 12161522, 31131422, 17878605, 32939031, 33226606, 35592779, 35992134)

Athena Diagnostics
Classification: Pathogenic. Last evaluated: 2022-06-07. Review status: criteria provided, single submitter. Criteria: Athena Diagnostics Criteria. Collection method: clinical testing. Allele origin: unknown.
Comment: This variant is expected to result in the loss of a functional protein. This variant has been identified in at least one individual with MODY or renal cysts. This variant has not been reported in large, multi-ethnic general populations.

Blueprint Genetics
Classification: Pathogenic for HNF1B-related disorders. Last evaluated: 2020-08-13. Review status: criteria provided, single submitter. Criteria: ACMG Guidelines, 2015. Collection method: clinical testing. Allele origin: germline. Affected: yes. Observed: 1 variant allele.

Molecular Biology Laboratory, Fundació Puigvert
Classification: Pathogenic for Renal cysts and diabetes syndrome. Last evaluated: 2020-02-01. Review status: criteria provided, single submitter. Criteria: ACMG Guidelines, 2015. Collection method: research. Allele origin: paternal. Affected: yes. Study: KidneyPanel_2020.

Institute of Human Genetics, FAU Erlangen, Friedrich-Alexander-Universität Erlangen-Nürnberg
Classification: Pathogenic for Renal cysts and diabetes syndrome. Last evaluated: 2019-07-06. Review status: criteria provided, single submitter. Criteria: ACMG Guidelines, 2015. Collection method: literature only. Allele origin: germline. Affected: yes.
Comment: This variant and it's classification has been reported by Vasileiou et al. 2019; DOI:10.1101/576918. The variants has previously been reported in ClinVar:12640; LOVD:#0000342511; PMID:25700310; PMID:17878605; PMID:12161522; PMID:25536396 as "NM_000458.3(HNF1B):c.826C>T (p.Arg276Ter); HNF1B:NM_000458.2:c.826C>T (Arg276*); c.826C>T; c.826C>T" with clinical significance Pathogenic. It has been re-classified using InterVar and manual curation as Pathogenic based on PVS1 PM2 PP3.

Victorian Clinical Genetics Services, Murdoch Childrens Research Institute
Classification: Pathogenic for Renal cysts and diabetes syndrome. Last evaluated: 2018-11-12. Review status: criteria provided, single submitter. Criteria: ACMG Guidelines, 2015. Collection method: clinical testing. Allele origin: unknown. Affected: yes.
Comment: A heterozygous nonsense variant, NM_000458.3(HNF1B):c.826C>T, has been identified in exon 4 of 9 of the HNF1B gene. The variant is predicted to result in a premature stop codon at position 276 of the protein (NP_000449.1(HNF1B):p.(Arg276*)). This variant is predicted to result in loss of protein function through nonsense-mediated decay, which is a reported mechanism of pathogenicity for this gene. The variant is absent in population databases (gnomAD, 1000G). The variant has been previously described as pathogenic and segregated with disease in at least one family with renal cysts and diabetes syndrome (MODY5) (ClinVar; Furuta, H. et al., 2002; Fujimoto, K. et al., 2007; Verhave, J.C., 2016). Functional analysis showed that the mutant allele produces inactive protein (Furuta, H. et al., 2002). In addition, p.(Arg276*) caused significant decrease in glucose-stimulated insulin secretion in MIN6 cells (Fujimoto, K. et al., 2007). Several truncating variants up and downstream predicted to result in NMD have been reported pathogenic (ClinVar, HGMD, Decipher). Based on the information available at the time of curation, this variant has been classified as PATHOGENIC.

Neuberg Centre For Genomic Medicine, NCGM
Classification: Pathogenic for Renal cysts and diabetes syndrome. Review status: criteria provided, single submitter. Criteria: ACMG Guidelines, 2015. Collection method: clinical testing. Allele origin: germline. Affected: yes.
Comment: The stop gained p.R276* in HNF1B (NM_000458.4) has been reported previously in affected patients (Furuta H et al; Fujimoto K et al).Functional studies reveal a damaging effect. The variant has been submitted to ClinVar as Pathogenic. The p.R276* variant is novel (not in any individuals) in gnomAD Exomes and is novel (not in any individuals) in 1000 Genomes. This variant is predicted to cause loss of normal protein function through protein truncation. For these reasons, this variant has been classified as Pathogenic.

Sydney Genome Diagnostics, Children's Hospital Westmead
Classification: Pathogenic for Autosomal dominant medullary cystic kidney disease with or without hyperuricemia. Last evaluated: 2018-03-01. Review status: no assertion criteria provided. Collection method: clinical testing. Allele origin: unknown. Affected: yes. Observed: 1 variant allele, 1 heterozygote. Not counted in ClinVar's aggregate classification.

OMIM
Classification: Pathogenic for RENAL CYSTS AND DIABETES SYNDROME. Last evaluated: 2002-08-01. Review status: no assertion criteria provided. Collection method: literature only. Allele origin: germline. Not counted in ClinVar's aggregate classification.

Literature cited by the submitters: PubMed 9398836 (cited by Labcorp Genetics (formerly Invitae), Labcorp); PubMed 12148114 (cited by Labcorp Genetics (formerly Invitae), Labcorp); PubMed 15068978 (cited by Labcorp Genetics (formerly Invitae), Labcorp); PubMed 20378641 (cited by Labcorp Genetics (formerly Invitae), Labcorp); PubMed 31131422 (cited by Labcorp Genetics (formerly Invitae), Labcorp); PubMed 35846334 (cited by Women's Health and Genetics/Laboratory Corporation of America, LabCorp); PubMed 33532864 (cited by Athena Diagnostics and Molecular Biology Laboratory, Fundació Puigvert); PubMed 12161522 (cited by 3 submitters); PubMed 17878605 (cited by Athena Diagnostics and Institute of Human Genetics, FAU Erlangen, Friedrich-Alexander-Universität Erlangen-Nürnberg); PubMed 25700310 (cited by Institute of Human Genetics, FAU Erlangen, Friedrich-Alexander-Universität Erlangen-Nürnberg); PubMed 25536396 (cited by Institute of Human Genetics, FAU Erlangen, Friedrich-Alexander-Universität Erlangen-Nürnberg); DOI 10.1101/576918 (cited by Institute of Human Genetics, FAU Erlangen, Friedrich-Alexander-Universität Erlangen-Nürnberg).